The following is an entry in ClinVar:

ClinVar aggregate classification (germline): Uncertain significance (1 of 4 stars; one submission).

Conditions:
NRP2-related disorder. Also called: NRP2-related condition.

gnomAD v4.1: 8 of 1,612,870 alleles (0.0005%); highest among the groups gnomAD compares: Non-Finnish European, 0.00068%; no homozygotes.

Submission:

PreventionGenetics, part of Exact Sciences
Classification: Uncertain significance for NRP2-related condition. Last evaluated: 2024-12-18. Review status: criteria provided, single submitter. Criteria: ACMG Guidelines, 2015. Collection method: clinical testing. Allele origin: germline.
Comment: The NRP2 c.2524G>A variant is predicted to result in the amino acid substitution p.Val842Met. To our knowledge, this variant has not been reported in the literature. This variant is reported in 0.0018% of alleles in individuals of European (Non-Finnish) descent in gnomAD. At this time, the clinical significance of this variant is uncertain due to the absence of conclusive functional and genetic evidence.

NM_003872.3(NRP2):c.2425+9541G>A

Gene: NRP2 (neuropilin 2; plus strand). Cytogenetic location: 2q33.3.
Variant type: single nucleotide variant.
Coding change: c.2425+9541G>A on transcript NM_003872.3 (MANE Select); 9541 bases into the intron after coding-DNA position 2425, G replaced by A.
Molecular consequence: intron variant. On other transcripts: missense variant (2).
Genome position (GRCh38, 1-based): chr2:205,776,344, G>A. VCF-style: chr2-205776344-G-A. GRCh37 (hg19) VCF-style: chr2-206641068-G-A.
Other names: c.2539G>A, p.Val847Met (NM_018534.4); c.2524G>A, p.Val842Met (NM_201267.2); c.2440+9526G>A (NM_201266.2); c.2425+9541G>A (NM_201279.2); short protein forms V842M, V847M.
Identifiers: ClinVar variation 4982930 (VCV004982930.1).